The following is an entry in ClinVar:

ClinVar aggregate classification (germline): Conflicting classifications of pathogenicity. Review status: criteria provided, conflicting classifications (1 of 4 stars). 6 submissions from 6 submitters: Uncertain significance (1); Likely benign (4). 1 of the submissions does not count toward it. Last evaluated 2026-04-01.

Conditions:
CDKN2A-related disorder. Also called: CDKN2A-related condition.
Melanoma-pancreatic cancer syndrome. Identifiers: Orphanet 404560, MedGen C1838547, MONDO:0011713, OMIM 606719. Disease mechanism: loss of function.

Allele frequency attached by ClinVar (database versions not stated): 1000 Genomes Project 30x 0.00031; gnomAD 0.00055 and 0.00056; TOPMed 0.00062; 1000 Genomes Project 0.00020.
gnomAD v4.1: 1,461 of 1,588,112 alleles (0.092%); highest among the groups gnomAD compares: Admixed American, 0.11%; 2 homozygotes.

Submissions (6):

CeGaT Center for Human Genetics Tuebingen
Classification: Likely benign. Last evaluated: 2026-04-01. Review status: criteria provided, single submitter. Criteria: CeGaT Center For Human Genetics Tuebingen Variant Classification Criteria Version 2. Collection method: clinical testing. Allele origin: germline. Affected: yes. Observed: 5 variant alleles.
Comment: CDKN2A: BS1

Dasa
Classification: Uncertain significance. Last evaluated: 2026-01-19. Review status: criteria provided, single submitter. Criteria: DASA Assertion Criteria. Collection method: clinical testing. Allele origin: germline.
Comment: NM_058197.5(CDKN2A):c.*73+6C>T is a splice-region variant. This classification is supported by population frequency inconsistent with a disease-causing role. The currently available literature and clinical evidence are not sufficient to establish a definitive association between this variant and the reported condition. Therefore, this variant is classified as a variant of uncertain significance.

Blueprint Genetics
Classification: Likely benign. Last evaluated: 2024-10-07. Review status: criteria provided, single submitter. Criteria: ACMG Guidelines, 2015. Collection method: clinical testing. Allele origin: germline.

Mendelics
Classification: Likely benign for Melanoma-pancreatic cancer syndrome. Last evaluated: 2019-05-28. Review status: criteria provided, single submitter. Criteria: Mendelics Assertion Criteria 2017. Collection method: clinical testing. Allele origin: unknown.

Breakthrough Genomics
Classification: Likely benign. Review status: criteria provided, single submitter. Criteria: ACMG Guidelines, 2015. Collection method: not provided. Allele origin: germline. Inheritance: Autosomal dominant inheritance. Affected: yes.

PreventionGenetics, part of Exact Sciences
Classification: Likely benign for CDKN2A-related condition. Last evaluated: 2022-02-09. Review status: no assertion criteria provided. Collection method: clinical testing. Allele origin: germline. Not counted in ClinVar's aggregate classification.
Comment: This variant is classified as likely benign based on ACMG/AMP sequence variant interpretation guidelines (Richards et al. 2015 PMID: 25741868, with internal and published modifications).

NM_000077.5(CDKN2A):c.150+280C>T

Gene: CDKN2A (cyclin dependent kinase inhibitor 2A; minus strand). Cytogenetic location: 9p21.3.
Variant type: single nucleotide variant.
Coding change: c.150+280C>T on transcript NM_000077.5 (MANE Select); 280 bases into the intron after coding-DNA position 150, C replaced by T.
Molecular consequence: intron variant.
Genome position (GRCh38, 1-based): chr9:21,974,398, G>A on the plus strand (C>T on the coding strand, the complement: CDKN2A is on the minus strand). VCF-style: chr9-21974398-G-A. GRCh37 (hg19) VCF-style: chr9-21974397-G-A.
Other names: c.150+280C>T (NM_000077.4, NM_001195132.2); c.-3-3190C>T (NM_001363763.2); c.194-3190C>T (NM_058195.4); c.*73+6C>T (NM_058197.5).
Identifiers: ClinVar variation 802470 (VCV000802470.30), dbSNP rs150201743, ClinGen allele CA190732412.